The following is an entry in ClinVar:

NM_207352.4(CYP4V2):c.1344T>C (p.Asn448=)

Gene: CYP4V2 (cytochrome P450 family 4 subfamily V member 2; plus strand). Cytogenetic location: 4q35.2.
Variant type: single nucleotide variant.
Coding change: c.1344T>C on transcript NM_207352.4 (MANE Select); coding-DNA position 1344, T replaced by C.
Protein change: p.Asn448=; no amino-acid change (asparagine 448 retained).
Molecular consequence: synonymous variant.
Genome position (GRCh38, 1-based): chr4:186,209,211, T>C. VCF-style: chr4-186209211-T-C. GRCh37 (hg19) VCF-style: chr4-187130365-T-C.
Identifiers: ClinVar variation 899608 (VCV000899608.36), dbSNP rs72646292, ClinGen allele CA3162836.
Genomic context (GRCh38, chr4:186,209,211, plus strand): 5'-AGATCCGAGATACTTCCCCAACCCCGAGGAGTTCCAGCCTGAGCGGTTCTTCCCCGAGAA[T>C]GCACAAGGGCGCCATCCATATGCCTACGTGCCCTTCTCTGCTGGCCCCAGGAACTGTATA-3'
Protein context (NP_997235.3, residues 438-458): EFQPERFFPE[Asn448=]AQGRHPYAYV

ClinVar aggregate classification (germline): Conflicting classifications of pathogenicity. Review status: criteria provided, conflicting classifications (1 of 4 stars). 5 submissions from 4 submitters: Uncertain significance (2); Likely benign (3). Last evaluated 2026-03-07.

Conditions:
CYP4V2-related disorder. Also called: CYP4V2-related disorders; CYP4V2-related condition.
Bietti crystalline corneoretinal dystrophy (BCD). Also called: BIETTI TAPETORETINAL DEGENERATION WITH MARGINAL CORNEAL DYSTROPHY; Bietti Crystalline Dystrophy. Identifiers: Orphanet 41751, MedGen C1859486, MONDO:0008865, OMIM 210370.
Corneal dystrophy. Identifiers: Orphanet 34533, MedGen C0010036, MONDO:0018102, HP:0001131.

Allele frequency attached by ClinVar (database versions not stated): gnomAD 0.00002 and 0.00005; gnomAD exomes 0.00002 and 0.00004; ExAC 0.00003; TOPMed 0.00004; 1000 Genomes Project 30x 0.00031; 1000 Genomes Project 0.00040.
gnomAD v4.1: 35 of 1,613,992 alleles (0.0022%); highest among the groups gnomAD compares: South Asian, 0.023%; no homozygotes.

Submissions (5):

PreventionGenetics, part of Exact Sciences
Classification: Likely benign for CYP4V2-related condition. Last evaluated: 2026-03-07. Review status: criteria provided, single submitter. Criteria: ACMG Guidelines, 2015. Collection method: clinical testing. Allele origin: germline.
Comment: This variant is classified as likely benign based on ACMG/AMP sequence variant interpretation guidelines (Richards et al. 2015 PMID: 25741868, with internal and published modifications).

Labcorp Genetics (formerly Invitae), Labcorp
Classification: Likely benign. Last evaluated: 2023-11-24. Review status: criteria provided, single submitter. Criteria: Invitae Variant Classification Sherloc (09022015). Collection method: clinical testing. Allele origin: germline.

CeGaT Center for Human Genetics Tuebingen
Classification: Likely benign. Last evaluated: 2023-02-01. Review status: criteria provided, single submitter. Criteria: CeGaT Center For Human Genetics Tuebingen Variant Classification Criteria Version 2. Collection method: clinical testing. Allele origin: germline. Affected: yes. Observed: 1 variant allele.
Comment: CYP4V2: BP4, BP7

Illumina Laboratory Services, Illumina
Classification: Uncertain significance for Bietti crystalline corneoretinal dystrophy. Last evaluated: 2018-01-13. Review status: criteria provided, single submitter. Criteria: ICSL Variant Classification Criteria 13 December 2019. Collection method: clinical testing. Allele origin: germline.

Illumina Laboratory Services, Illumina
Classification: Uncertain significance for Corneal dystrophy. Last evaluated: 2018-01-13. Review status: criteria provided, single submitter. Criteria: ICSL Variant Classification Criteria 13 December 2019. Collection method: clinical testing. Allele origin: germline.